The following is an entry in ClinVar:

ClinVar aggregate classification (germline): Conflicting classifications of pathogenicity. Review status: criteria provided, conflicting classifications (1 of 4 stars). 7 submissions from 7 submitters: Uncertain significance (5); Likely benign (2). Last evaluated 2025-10-22.

Conditions:
Cardiovascular phenotype. Identifiers: MedGen CN230736.
Cardiomyopathy (CMYO). Also called: Cardiomyopathies. Identifiers: Orphanet 167848, MedGen C0878544, MONDO:0004994, HP:0001638. Inheritance: Various modes of inheritance.
Catecholaminergic polymorphic ventricular tachycardia 1. Also called: VENTRICULAR TACHYCARDIA, STRESS-INDUCED POLYMORPHIC 1; VENTRICULAR TACHYCARDIA, CATECHOLAMINERGIC POLYMORPHIC, 1, WITH OR WITHOUT ATRIAL DYSFUNCTION AND/OR DILATED CARDIOMYOPATHY; RYR2-Related Catecholaminergic Polymorphic Ventricular Tachycardia. Identifiers: Orphanet 3286, MedGen C1631597, MONDO:0011484, OMIM 604772.
Catecholaminergic polymorphic ventricular tachycardia (CVPT). Also called: Catecholamine-induced polymorphic ventricular tachycardia. Identifiers: Orphanet 3286, MedGen C5574922, MONDO:0017990.

Allele frequency attached by ClinVar (database versions not stated): gnomAD exomes 0.00001 and 0.00002; ExAC 0.00002; gnomAD 0.00003; TOPMed below 0.00001.
gnomAD v4.1: 23 of 1,613,452 alleles (0.0014%); highest among the groups gnomAD compares: Non-Finnish European, 0.00017%; no homozygotes.

Submissions (7):

Labcorp Genetics (formerly Invitae), Labcorp
Classification: Likely benign for Catecholaminergic polymorphic ventricular tachycardia 1. Last evaluated: 2025-10-22. Review status: criteria provided, single submitter. Criteria: Invitae Variant Classification Sherloc (09022015). Collection method: clinical testing. Allele origin: germline.

Women's Health and Genetics/Laboratory Corporation of America, LabCorp
Classification: Uncertain significance. Last evaluated: 2025-07-24. Review status: criteria provided, single submitter. Criteria: LabCorp Variant Classification Summary - May 2015. Collection method: clinical testing. Allele origin: germline.
Comment: Variant summary: RYR2 c.14167G>A (p.Ala4723Thr) results in a non-conservative amino acid change in the encoded protein sequence. Algorithms developed to predict the effect of missense changes on protein structure and function all suggest that this variant is likely to be disruptive. The variant allele was found at a frequency of 2.4e-05 in 248984 control chromosomes, predominantly at a frequency of 2.4e-05 within the Ashkenazi Jewish subpopulation in the gnomAD database. The available data on variant occurrences in the general population are insufficient to allow any conclusion about variant significance. c.14167G>A has been observed in individual(s) affected with Catecholaminergic Polymorphic Ventricular Tachycardia, without strong evidence for causality (Landstrom_2018). These report(s) do not provide unequivocal conclusions about association of the variant with Catecholaminergic Polymorphic Ventricular Tachycardia. To our knowledge, no experimental evidence demonstrating an impact on protein function has been reported. The following publication has been ascertained in the context of this evaluation (PMID: 28404607). ClinVar contains an entry for this variant (Variation ID: 43739). Based on the evidence outlined above, the variant was classified as uncertain significance.

Color Diagnostics, LLC DBA Color Health
Classification: Likely benign for Cardiomyopathy. Last evaluated: 2024-04-16. Review status: criteria provided, single submitter. Criteria: ACMG Guidelines, 2015. Collection method: clinical testing. Allele origin: germline.

All of Us Research Program, National Institutes of Health
Classification: Uncertain significance for Catecholaminergic polymorphic ventricular tachycardia. Last evaluated: 2023-12-01. Review status: criteria provided, single submitter. Criteria: ACMG Guidelines, 2015. Collection method: clinical testing. Allele origin: germline. Inheritance: Autosomal dominant inheritance. Observed: 6 variant alleles, 6 heterozygotes.
Comment: This missense variant replaces alanine with threonine at codon 4723 of the RYR2 protein. Computational prediction suggests that this variant may not impact protein structure and function (internally defined REVEL score threshold <= 0.5, PMID: 27666373). To our knowledge, functional studies have not been reported for this variant. This variant has not been reported in individuals affected with cardiovascular disorders in the literature. This variant has been identified in 7/280352 chromosomes in the general population by the Genome Aggregation Database (gnomAD). The available evidence is insufficient to determine the role of this variant in disease conclusively. Therefore, this variant is classified as a Variant of Uncertain Significance.

This study involves interpretation of variants in research participants for the purpose of population health screening. Participant phenotype was not available at the time of variant classification. Additional details can be found in publication PMID: 35346344, PMCID: PMC8962531

GeneDx
Classification: Uncertain significance. Last evaluated: 2023-09-25. Review status: criteria provided, single submitter. Criteria: GeneDx Variant Classification Process June 2021. Collection method: clinical testing. Allele origin: germline. Affected: yes.
Comment: Has not been previously published as pathogenic or benign to our knowledge; In silico analysis supports that this missense variant has a deleterious effect on protein structure/function; Located in one of the three hot-spot regions of the RYR2 gene, where the majority of pathogenic missense variants occur (Medeiros-Domingo et al., 2009); This variant is associated with the following publications: (PMID: 19926015)

Ambry Genetics
Classification: Uncertain significance for Cardiovascular phenotype. Last evaluated: 2022-11-15. Review status: criteria provided, single submitter. Criteria: Ambry Variant Classification Scheme 2023. Collection method: clinical testing. Allele origin: germline.

Laboratory for Molecular Medicine, Mass General Brigham Personalized Medicine
Classification: Uncertain significance. Last evaluated: 2011-12-21. Review status: criteria provided, single submitter. Criteria: LMM Criteria. Collection method: clinical testing. Allele origin: germline. Observed: 1 variant allele.
Comment: The Ala4723Thr variant (RYR2) has not been previously reported not previously id entified by our laboratory. Alanine (Ala) is moderately conserved across evoluti onarily distant species (frog has a valine (Val) at this position), and this inf ormation is insufficient to predict if a change would impact the protein. Comput ational predictions on the impact to the protein are mixed (AlignGVGD = benign, PolyPhen2 & SIFT = pathogenic), though the accuracy of these tools is unknown. A dditional information is needed to fully assess the clinical significance of the Ala4723Thr variant.

Literature cited by the submitters: PubMed 28404607 (cited by Women's Health and Genetics/Laboratory Corporation of America, LabCorp).

NM_001035.3(RYR2):c.14167G>A (p.Ala4723Thr)

Gene: RYR2 (ryanodine receptor 2; plus strand). Cytogenetic location: 1q43.
Variant type: single nucleotide variant.
Coding change: c.14167G>A on transcript NM_001035.3 (MANE Select); coding-DNA position 14167, G replaced by A.
Protein change: p.Ala4723Thr; replaces alanine 4723 with threonine.
Molecular consequence: missense variant.
Genome position (GRCh38, 1-based): chr1:237,806,152, G>A. VCF-style: chr1-237806152-G-A. GRCh37 (hg19) VCF-style: chr1-237969452-G-A.
Other names: short protein forms A4723T.
Identifiers: ClinVar variation 43739 (VCV000043739.24), dbSNP rs397516514, ClinGen allele CA008183.